The following is an entry in ClinVar:

NM_006231.4(POLE):c.5854A>C (p.Asn1952His)

Gene: POLE (DNA polymerase epsilon, catalytic subunit; minus strand). Cytogenetic location: 12q24.33.
Variant type: single nucleotide variant.
Coding change: c.5854A>C on transcript NM_006231.4 (MANE Select); coding-DNA position 5854, A replaced by C.
Protein change: p.Asn1952His; replaces asparagine 1952 with histidine.
Molecular consequence: missense variant.
Genome position (GRCh38, 1-based): chr12:132,634,336, T>G on the plus strand (A>C on the coding strand, the complement: POLE is on the minus strand). VCF-style: chr12-132634336-T-G. GRCh37 (hg19) VCF-style: chr12-133210922-T-G.
Other names: c.5854A>C (NM_006231.2); short protein forms N1952H.
Identifiers: ClinVar variation 2435146 (VCV002435146.5), dbSNP rs2041993956, ClinGen allele CA387371774.

ClinVar aggregate classification (germline): Uncertain significance. Review status: criteria provided, multiple submitters, no conflicts (2 of 4 stars). 2 submissions from 2 submitters: Uncertain significance (2). Last evaluated 2023-04-01.

Conditions:
Hereditary cancer-predisposing syndrome. Also called: Hereditary Cancer Syndrome; Neoplastic Syndromes, Hereditary; Tumor predisposition; Hereditary neoplastic syndrome. Identifiers: Orphanet 140162, MedGen C0027672, MeSH D009386, MONDO:0015356.

gnomAD v4.1: 1 of 1,614,058 alleles (0.000062%); highest among the groups gnomAD compares: Non-Finnish European, 0.000085%; no homozygotes.

Submissions (2):

Ambry Genetics
Classification: Uncertain significance for Hereditary cancer-predisposing syndrome. Last evaluated: 2023-04-01. Review status: criteria provided, single submitter. Criteria: Ambry Variant Classification Scheme 2023. Collection method: clinical testing. Allele origin: germline.
Comment: The p.N1952H variant (also known as c.5854A>C), located in coding exon 43 of the POLE gene, results from an A to C substitution at nucleotide position 5854. The asparagine at codon 1952 is replaced by histidine, an amino acid with similar properties. This amino acid position is conserved. In addition, this alteration is predicted to be tolerated by in silico analysis. Since supporting evidence is limited at this time, the clinical significance of this alteration remains unclear.

Revvity Omics, Revvity
Classification: Uncertain significance. Last evaluated: 2023-01-31. Review status: criteria provided, single submitter. Criteria: ACMG Guidelines, 2015. Collection method: clinical testing. Allele origin: germline.